The following is an entry in ClinVar:

NM_000246.4(CIITA):c.2932C>T (p.Arg978Trp)

Gene: CIITA (class II major histocompatibility complex transactivator; plus strand). Cytogenetic location: 16p13.13.
Variant type: single nucleotide variant.
Coding change: c.2932C>T on transcript NM_000246.4 (MANE Select); coding-DNA position 2932, C replaced by T.
Protein change: p.Arg978Trp; replaces arginine 978 with tryptophan.
Molecular consequence: missense variant. On other transcripts: non-coding transcript variant (1).
Genome position (GRCh38, 1-based): chr16:10,915,613, C>T. VCF-style: chr16-10915613-C-T. GRCh37 (hg19) VCF-style: chr16-11009470-C-T.
Other names: c.2935C>T, p.Arg979Trp (NM_001286402.1, NM_001379332.1); c.1180C>T, p.Arg394Trp (NM_001286403.2); c.2788C>T, p.Arg930Trp (NM_001379330.1); c.2785C>T, p.Arg929Trp (NM_001379331.1); c.2932C>T, p.Arg978Trp (NM_001379333.1); c.2863C>T, p.Arg955Trp (NM_001379334.1); short protein forms R929W, R978W, R930W, R394W, R979W, R955W.
Identifiers: ClinVar variation 948702 (VCV000948702.4), dbSNP rs1003764418, ClinGen allele CA394721947.

ClinVar aggregate classification (germline): Uncertain significance (1 of 4 stars; one submission).

Conditions:
MHC class II deficiency. Also called: Bare lymphocyte syndrome 2; BLS, TYPE II. Identifiers: Orphanet 572, MedGen C5447452, MONDO:0008855.

gnomAD v4.1: 10 of 1,614,110 alleles (0.00062%); highest among the groups gnomAD compares: South Asian, 0.0011%; no homozygotes.

Submission:

Labcorp Genetics (formerly Invitae), Labcorp
Classification: Uncertain significance for MHC class II deficiency. Last evaluated: 2022-10-09. Review status: criteria provided, single submitter. Criteria: Invitae Variant Classification Sherloc (09022015). Collection method: clinical testing. Allele origin: germline.
Comment: This sequence change replaces arginine, which is basic and polar, with tryptophan, which is neutral and slightly polar, at codon 978 of the CIITA protein (p.Arg978Trp). This variant is not present in population databases (gnomAD no frequency). This variant has not been reported in the literature in individuals affected with CIITA-related conditions. ClinVar contains an entry for this variant (Variation ID: 948702). Algorithms developed to predict the effect of missense changes on protein structure and function are either unavailable or do not agree on the potential impact of this missense change (SIFT: "Deleterious"; PolyPhen-2: "Possibly Damaging"; Align-GVGD: "Class C15"). In summary, the available evidence is currently insufficient to determine the role of this variant in disease. Therefore, it has been classified as a Variant of Uncertain Significance.